The following is an entry in ClinVar:

ClinVar aggregate classification (germline): Uncertain significance. Review status: criteria provided, multiple submitters, no conflicts (2 of 4 stars). 2 submissions from 2 submitters: Uncertain significance (2). Last evaluated 2022-07-05.

Submissions (2):

Labcorp Genetics (formerly Invitae), Labcorp
Classification: Uncertain significance. Last evaluated: 2022-07-05. Review status: criteria provided, single submitter. Criteria: Invitae Variant Classification Sherloc (09022015). Collection method: clinical testing. Allele origin: germline.
Comment: In summary, the available evidence is currently insufficient to determine the role of this variant in disease. Therefore, it has been classified as a Variant of Uncertain Significance. Algorithms developed to predict the effect of missense changes on protein structure and function (SIFT, PolyPhen-2, Align-GVGD) all suggest that this variant is likely to be tolerated. This variant has not been reported in the literature in individuals affected with RTN4IP1-related conditions. This variant is not present in population databases (gnomAD no frequency). This sequence change replaces isoleucine, which is neutral and non-polar, with valine, which is neutral and non-polar, at codon 48 of the RTN4IP1 protein (p.Ile48Val).

Blueprint Genetics
Classification: Uncertain significance. Last evaluated: 2021-12-22. Review status: criteria provided, single submitter. Criteria: ACMG Guidelines, 2015. Collection method: clinical testing. Allele origin: germline.

NM_032730.5(RTN4IP1):c.142A>G (p.Ile48Val)

Gene: RTN4IP1 (reticulon 4 interacting protein 1; minus strand). Cytogenetic location: 6q21.
Variant type: single nucleotide variant.
Coding change: c.142A>G on transcript NM_032730.5 (MANE Select); coding-DNA position 142, A replaced by G.
Protein change: p.Ile48Val; replaces isoleucine 48 with valine.
Molecular consequence: missense variant. On other transcripts: intron variant (1).
Genome position (GRCh38, 1-based): chr6:106,628,880, T>C on the plus strand (A>G on the coding strand, the complement: RTN4IP1 is on the minus strand). VCF-style: chr6-106628880-T-C. GRCh37 (hg19) VCF-style: chr6-107076755-T-C.
Other names: c.-27+1447A>G (NM_001318746.1); short protein forms I48V.
Identifiers: ClinVar variation 1930150 (VCV001930150.6), dbSNP rs2482459727, ClinGen allele CA365168903.